The following is an entry in ClinVar:

ClinVar aggregate classification (germline): Uncertain significance (1 of 4 stars; one submission).

Conditions:
Long QT syndrome (LQTS). Identifiers: MedGen C0023976, MeSH D008133, MONDO:0002442. Disease mechanism: loss of function. Inheritance: Various modes of inheritance.

Allele frequency attached by ClinVar (database versions not stated): TOPMed below 0.00001; ExAC 0.00001.
gnomAD v4.1: 2 of 1,572,658 alleles (0.00013%); highest among the groups gnomAD compares: Non-Finnish European, 0.00017%; no homozygotes.

Submission:

Labcorp Genetics (formerly Invitae), Labcorp
Classification: Uncertain significance for Long QT syndrome. Last evaluated: 2018-01-23. Review status: criteria provided, single submitter. Criteria: Invitae Variant Classification Sherloc (09022015). Collection method: clinical testing. Allele origin: germline.
Comment: This variant has not been reported in the literature in individuals with CACNA1C-related disease. This variant is present in population databases (rs758199539, ExAC 0.002%). Algorithms developed to predict the effect of missense changes on protein structure and function do not agree on the potential impact of this missense change (SIFT: "Deleterious"; PolyPhen-2: "Benign"; Align-GVGD: "Class C0"). In summary, the available evidence is currently insufficient to determine the role of this variant in disease. Therefore, it has been classified as a Variant of Uncertain Significance. This sequence change replaces valine with phenylalanine at codon 2135 of the CACNA1C protein (p.Val2135Phe). The valine residue is moderately conserved and there is a small physicochemical difference between valine and phenylalanine.

NM_000719.7(CACNA1C):c.6403G>T (p.Val2135Phe)

Gene: CACNA1C (calcium voltage-gated channel subunit alpha1 C; plus strand). Cytogenetic location: 12p13.33.
Variant type: single nucleotide variant.
Coding change: c.6403G>T on transcript NM_000719.7 (MANE Select); coding-DNA position 6403, G replaced by T.
Protein change: p.Val2135Phe; replaces valine 2135 with phenylalanine.
Molecular consequence: missense variant.
Genome position (GRCh38, 1-based): chr12:2,691,185, G>T. VCF-style: chr12-2691185-G-T. GRCh37 (hg19) VCF-style: chr12-2800351-G-T.
Other names: c.6547G>T, p.Val2183Phe (NM_001129827.2); c.6526G>T, p.Val2176Phe (NM_001129829.2); c.6508G>T, p.Val2170Phe (NM_001129830.3, NM_001167624.3); c.6487G>T, p.Val2163Phe (NM_001129831.2); c.6463G>T, p.Val2155Phe (NM_001129832.2); c.6460G>T, p.Val2154Phe (NM_001129833.2, NM_001129834.2, NM_001129835.2); c.6454G>T, p.Val2152Phe (NM_001129836.2); c.6427G>T, p.Val2143Phe (NM_001129837.2, NM_001129838.2); and 6 more; short protein forms V2132F, V2135F, V2152F, V2154F, V2163F, V2176F, V2195F, V2218F.
Identifiers: ClinVar variation 978512 (VCV000978512.9), dbSNP rs758199539, ClinGen allele CA6390141.
Genomic context (GRCh38, chr12:2,691,185, plus strand): 5'-GGCTGTGTGCGCGCGCGGGGTCGACCGAGTGAGGAGGAGCTCCAGGACAGCAGGGTCTAC[G>T]TCAGCAGCCTGTAGTGGGCGCTGCCAGATGCGGGCTTTTTTTTATTTGTTTCAATGTTCC-3'
Protein context (NP_000710.5, residues 2125-2138): EEELQDSRVY[Val2135Phe]SSL